The following is an entry in ClinVar:

NM_001040716.2(PC):c.1370C>G (p.Thr457Ser)

Gene: PC (pyruvate carboxylase; minus strand). Cytogenetic location: 11q13.2.
Variant type: single nucleotide variant.
Coding change: c.1370C>G on transcript NM_001040716.2 (MANE Select); coding-DNA position 1370, C replaced by G.
Protein change: p.Thr457Ser; replaces threonine 457 with serine.
Molecular consequence: missense variant.
Genome position (GRCh38, 1-based): chr11:66,853,382, G>C on the plus strand (C>G on the coding strand, the complement: PC is on the minus strand). VCF-style: chr11-66853382-G-C. GRCh37 (hg19) VCF-style: chr11-66620853-G-C.
Other names: c.1370C>G, p.Thr457Ser (NM_000920.4, NM_022172.3); short protein forms T457S.
Identifiers: ClinVar variation 1328851 (VCV001328851.8), dbSNP rs200676705, ClinGen allele CA6131405.

ClinVar aggregate classification (germline): Uncertain significance. Review status: criteria provided, multiple submitters, no conflicts (2 of 4 stars). 4 submissions from 4 submitters: Uncertain significance (4). Last evaluated 2025-10-01.

Conditions:
Pyruvate carboxylase deficiency. Also called: Pyruvate Carboxylase Deficiency Disease; LEIGH NECROTIZING ENCEPHALOPATHY DUE TO PYRUVATE CARBOXYLASE DEFICIENCY; LEIGH SYNDROME DUE TO PYRUVATE CARBOXYLASE DEFICIENCY; PC DEFICIENCY; ATAXIA WITH LACTIC ACIDOSIS II. Identifiers: Orphanet 3008, MedGen C0034341, MONDO:0009949, OMIM 266150.
Inborn genetic diseases. Identifiers: MedGen C0950123, MeSH D030342.

Allele frequency attached by ClinVar (database versions not stated): gnomAD 0.00004; gnomAD exomes 0.00005; TOPMed 0.00005; ExAC 0.00006; ESP Exome Variant Server 0.00023.
gnomAD v4.1: 185 of 1,613,494 alleles (0.011%); highest among the groups gnomAD compares: Non-Finnish European, 0.015%; no homozygotes.

Submissions (4):

GeneDx
Classification: Uncertain significance. Last evaluated: 2025-10-01. Review status: criteria provided, single submitter. Criteria: GeneDx Variant Classification Process June 2021. Collection method: clinical testing. Allele origin: germline. Affected: yes.
Comment: Not observed at significant frequency in large population cohorts (gnomAD); In silico analysis supports that this missense variant has a deleterious effect on protein structure/function; Has not been previously published as pathogenic or benign to our knowledge

Ambry Genetics
Classification: Uncertain significance for Inborn genetic diseases. Last evaluated: 2025-08-14. Review status: criteria provided, single submitter. Criteria: Ambry Variant Classification Scheme 2023. Collection method: clinical testing. Allele origin: germline.

Labcorp Genetics (formerly Invitae), Labcorp
Classification: Uncertain significance for Pyruvate carboxylase deficiency. Last evaluated: 2022-10-24. Review status: criteria provided, single submitter. Criteria: Invitae Variant Classification Sherloc (09022015). Collection method: clinical testing. Allele origin: germline.
Comment: This sequence change replaces threonine, which is neutral and polar, with serine, which is neutral and polar, at codon 457 of the PC protein (p.Thr457Ser). This variant is present in population databases (rs200676705, gnomAD 0.01%). This variant has not been reported in the literature in individuals affected with PC-related conditions. ClinVar contains an entry for this variant (Variation ID: 1328851). Algorithms developed to predict the effect of missense changes on protein structure and function are either unavailable or do not agree on the potential impact of this missense change (SIFT: "Deleterious"; PolyPhen-2: "Probably Damaging"; Align-GVGD: "Class C0"). In summary, the available evidence is currently insufficient to determine the role of this variant in disease. Therefore, it has been classified as a Variant of Uncertain Significance.

Fulgent Genetics
Classification: Uncertain significance for Pyruvate carboxylase deficiency. Last evaluated: 2022-03-21. Review status: criteria provided, single submitter. Criteria: ACMG Guidelines, 2015. Collection method: clinical testing. Allele origin: unknown.